The following is an entry in ClinVar:

NM_017755.6(NSUN2):c.2034C>T (p.Cys678=)

Gene: NSUN2 (NOP2/Sun RNA methyltransferase 2; minus strand). Cytogenetic location: 5p15.31.
Variant type: single nucleotide variant.
Coding change: c.2034C>T on transcript NM_017755.6 (MANE Select); coding-DNA position 2034, C replaced by T.
Protein change: p.Cys678=; no amino-acid change (cysteine 678 retained).
Molecular consequence: synonymous variant. On other transcripts: non-coding transcript variant (1).
Genome position (GRCh38, 1-based): chr5:6,600,196, G>A on the plus strand (C>T on the coding strand, the complement: NSUN2 is on the minus strand). VCF-style: chr5-6600196-G-A. GRCh37 (hg19) VCF-style: chr5-6600309-G-A.
Other names: c.1929C>T, p.Cys643= (NM_001193455.2).
Identifiers: ClinVar variation 1940404 (VCV001940404.7), dbSNP rs770100002, ClinGen allele CA3192201.

ClinVar aggregate classification (germline): Likely benign. Review status: criteria provided, multiple submitters, no conflicts (2 of 4 stars). 2 submissions from 2 submitters: Likely benign (2). Last evaluated 2026-04-01.

Allele frequency attached by ClinVar (database versions not stated): ExAC 0.00002; gnomAD 0.00003; TOPMed 0.00003.
gnomAD v4.1: 24 of 1,613,998 alleles (0.0015%); highest among the groups gnomAD compares: African/African-American, 0.0067%; no homozygotes.

Submissions (2):

CeGaT Center for Human Genetics Tuebingen
Classification: Likely benign. Last evaluated: 2026-04-01. Review status: criteria provided, single submitter. Criteria: CeGaT Center For Human Genetics Tuebingen Variant Classification Criteria Version 2. Collection method: clinical testing. Allele origin: germline. Affected: yes. Observed: 1 variant allele.
Comment: NSUN2: BP4, BP7

Labcorp Genetics (formerly Invitae), Labcorp
Classification: Likely benign. Last evaluated: 2025-04-29. Review status: criteria provided, single submitter. Criteria: Invitae Variant Classification Sherloc (09022015). Collection method: clinical testing. Allele origin: germline.